The following is an entry in ClinVar:

NM_001626.6(AKT2):c.733C>T (p.Arg245Cys)

Gene: AKT2 (AKT serine/threonine kinase 2; minus strand). Cytogenetic location: 19q13.2.
Variant type: single nucleotide variant.
Coding change: c.733C>T on transcript NM_001626.6 (MANE Select); coding-DNA position 733, C replaced by T.
Protein change: p.Arg245Cys; replaces arginine 245 with cysteine.
Molecular consequence: missense variant.
Genome position (GRCh38, 1-based): chr19:40,238,067, G>A on the plus strand (C>T on the coding strand, the complement: AKT2 is on the minus strand). VCF-style: chr19-40238067-G-A. GRCh37 (hg19) VCF-style: chr19-40743974-G-A.
Other names: c.547C>T, p.Arg183Cys (NM_001243027.3, NM_001243028.3); c.733C>T, p.Arg245Cys (NM_001330511.1); short protein forms R183C, R245C.
Identifiers: ClinVar variation 4574185 (VCV004574185.1).
Genomic context (GRCh38, chr19:40,238,067, plus strand): 5'-ACTCAAGAGCCGAGACAATCTCTGCACCATAAAACCGGGCCCGCTCCTCTGTGAAGACAC[G>A]CTCCCGGGACAGGTGGAAGAACAGCTGCAGGAGGAAGGGGTGGGGAGAGGAGGTCAGGCC-3'
Protein context (NP_001617.1, residues 235-255): GELFFHLSRE[Arg245Cys]VFTEERARFY

ClinVar aggregate classification (germline): Uncertain significance (1 of 4 stars; one submission).

Conditions:
Inborn genetic diseases. Identifiers: MedGen C0950123, MeSH D030342.

gnomAD v4.1: 12 of 1,603,538 alleles (0.00075%); highest among the groups gnomAD compares: East Asian, 0.009%; no homozygotes.

Submission:

Ambry Genetics
Classification: Uncertain significance for Inborn genetic diseases. Last evaluated: 2025-10-22. Review status: criteria provided, single submitter. Criteria: Ambry Variant Classification Scheme 2023. Collection method: clinical testing. Allele origin: germline.
Comment: The c.733C>T (p.R245C) alteration is located in exon 9 (coding exon 8) of the AKT2 gene. This alteration results from a C to T substitution at nucleotide position 733, causing the arginine (R) at amino acid position 245 to be replaced by a cysteine (C). Based on data from gnomAD, the T allele has an overall frequency of 0.002% (4/231242) total alleles studied. The highest observed frequency was 0.007% (2/28350) of South Asian alleles. Based on insufficient or conflicting evidence, the clinical significance of this alteration remains unclear.